The following is an entry in ClinVar:

NM_182961.4(SYNE1):c.10669G>A (p.Glu3557Lys)

Gene: SYNE1 (spectrin repeat containing nuclear envelope protein 1; minus strand). Cytogenetic location: 6q25.2.
Variant type: single nucleotide variant.
Coding change: c.10669G>A on transcript NM_182961.4 (MANE Select); coding-DNA position 10669, G replaced by A.
Protein change: p.Glu3557Lys; replaces glutamic acid 3557 with lysine.
Molecular consequence: missense variant.
Genome position (GRCh38, 1-based): chr6:152,354,916, C>T on the plus strand (G>A on the coding strand, the complement: SYNE1 is on the minus strand). VCF-style: chr6-152354916-C-T. GRCh37 (hg19) VCF-style: chr6-152676051-C-T.
Other names: c.10690G>A, p.Glu3564Lys (NM_033071.5); short protein forms E3557K, E3564K.
Identifiers: ClinVar variation 856400 (VCV000856400.8), dbSNP rs1485693688, ClinGen allele CA366125691.

ClinVar aggregate classification (germline): Uncertain significance (1 of 4 stars; one submission).

Conditions:
Emery-Dreifuss muscular dystrophy 4, autosomal dominant (EDMD4). Also called: EMERY-DREIFUSS MUSCULAR DYSTROPHY 4 WITH VARIABLE FEATURES. Identifiers: Orphanet 261, MedGen C2751807, MONDO:0013071, OMIM 612998.
Autosomal recessive ataxia, Beauce type. Also called: ATAXIA, RECESSIVE, OF BEAUCE; SYNE1 Deficiency; Spinocerebellar ataxia, autosomal recessive 8; SYNE1-Related Autosomal Recessive Cerebellar Ataxia. Identifiers: Orphanet 88644, MedGen C1853116, MONDO:0012549, OMIM 610743.

Allele frequency attached by ClinVar (database versions not stated): gnomAD exomes below 0.00001; TOPMed below 0.00001; gnomAD 0.00001.
gnomAD v4.1: 6 of 1,614,042 alleles (0.00037%); highest among the groups gnomAD compares: Admixed American, 0.0067%; no homozygotes.

Submission:

Labcorp Genetics (formerly Invitae), Labcorp
Classification: Uncertain significance for Emery-Dreifuss muscular dystrophy 4, autosomal dominant; Autosomal recessive ataxia, Beauce type. Last evaluated: 2022-06-06. Review status: criteria provided, single submitter. Criteria: Invitae Variant Classification Sherloc (09022015). Collection method: clinical testing. Allele origin: germline.
Comment: This variant is present in population databases (no rsID available, gnomAD 0.003%). This sequence change replaces glutamic acid, which is acidic and polar, with lysine, which is basic and polar, at codon 3564 of the SYNE1 protein (p.Glu3564Lys). This variant has not been reported in the literature in individuals affected with SYNE1-related conditions. In summary, the available evidence is currently insufficient to determine the role of this variant in disease. Therefore, it has been classified as a Variant of Uncertain Significance. Algorithms developed to predict the effect of missense changes on protein structure and function are either unavailable or do not agree on the potential impact of this missense change (SIFT: "Deleterious"; PolyPhen-2: "Benign"; Align-GVGD: "Class C55"). ClinVar contains an entry for this variant (Variation ID: 856400).